The following is an entry in ClinVar:

NM_144639.3(UROC1):c.541-2A>G

Gene: UROC1 (urocanate hydratase 1; minus strand). Cytogenetic location: 3q21.3.
Variant type: single nucleotide variant.
Coding change: c.541-2A>G on transcript NM_144639.3 (MANE Select); the canonical splice acceptor site of the intron before coding-DNA position 541, A replaced by G.
Molecular consequence: splice acceptor variant.
Genome position (GRCh38, 1-based): chr3:126,507,805, T>C on the plus strand (A>G on the coding strand, the complement: UROC1 is on the minus strand). VCF-style: chr3-126507805-T-C. GRCh37 (hg19) VCF-style: chr3-126226648-T-C.
Other names: c.541-2A>G (NM_001165974.2).
Identifiers: ClinVar variation 4850662 (VCV004850662.2).

ClinVar aggregate classification (germline): Pathogenic/Likely pathogenic. Review status: criteria provided, multiple submitters, no conflicts (2 of 4 stars). 2 submissions from 2 submitters: Pathogenic (1); Likely pathogenic (1). Last evaluated 2025-11-04.

Conditions:
Urocanate hydratase deficiency (UROCD). Also called: UROCANASE DEFICIENCY; Urocanic aciduria. Identifiers: Orphanet 210128, MedGen C0268514, MONDO:0010167, OMIM 276880, HP:0012237.

gnomAD v4.1: 2 of 1,614,088 alleles (0.00012%); highest among the groups gnomAD compares: Non-Finnish European, 0.00017%; no homozygotes.

Submissions (2):

3billion
Classification: Pathogenic for Urocanate hydratase deficiency. Last evaluated: 2025-11-04. Review status: criteria provided, single submitter. Criteria: ACMG Guidelines, 2015. Collection method: clinical testing. Allele origin: germline. Affected: yes.
Comment: The variant is observed at an extremely low frequency in the gnomAD v4.1.0 dataset (total allele frequency: <0.001%). Predicted Consequence/Location: Canonical splice site: predicted to alter splicing and result in a loss or disruption of normal protein function. Multiple pathogenic loss-of-function variants are reported downstream of the variant. In silico tools predict the variant to alter splicing and produce an abnormal transcript [SpliceAI: 0.87 (spliceogenicity >=0.2, non-spliceogenicity <0.1)]. Therefore, this variant is classified as Pathogenic according to the recommendation of ACMG/AMP guideline.

First Genomix Gene Laboratory, Genetic Diagnostics Department
Classification: Likely pathogenic for Urocanate hydratase deficiency. Last evaluated: 2025-07-31. Review status: criteria provided, single submitter. Criteria: ACMG Guidelines, 2015. Collection method: clinical testing. Allele origin: germline. Inheritance: Autosomal recessive inheritance. Affected: no. Observed: 1 variant allele.